The following is an entry in ClinVar:

ClinVar aggregate classification (germline): Uncertain significance (1 of 4 stars; one submission).

Conditions:
Inborn genetic diseases. Identifiers: MedGen C0950123, MeSH D030342.

Submission:

Ambry Genetics
Classification: Uncertain significance for Inborn genetic diseases. Last evaluated: 2025-05-24. Review status: criteria provided, single submitter. Criteria: Ambry Variant Classification Scheme 2023. Collection method: clinical testing. Allele origin: germline.
Comment: The p.T342I variant (also known as c.1025C>T), located in coding exon 8 of the FANCG gene, results from a C to T substitution at nucleotide position 1025. The threonine at codon 342 is replaced by isoleucine, an amino acid with similar properties. This amino acid position is conserved. In addition, this alteration is predicted to be tolerated by in silico analysis. Based on the available evidence, the clinical significance of this variant remains unclear.

NM_004629.2(FANCG):c.1025C>T (p.Thr342Ile)

Gene: FANCG (FA complementation group G; minus strand). Cytogenetic location: 9p13.3.
Variant type: single nucleotide variant.
Coding change: c.1025C>T on transcript NM_004629.2 (MANE Select); coding-DNA position 1025, C replaced by T.
Protein change: p.Thr342Ile; replaces threonine 342 with isoleucine.
Molecular consequence: missense variant.
Genome position (GRCh38, 1-based): chr9:35,076,483, G>A on the plus strand (C>T on the coding strand, the complement: FANCG is on the minus strand). VCF-style: chr9-35076483-G-A. GRCh37 (hg19) VCF-style: chr9-35076480-G-A.
Other names: short protein forms T342I.
Identifiers: ClinVar variation 4022535 (VCV004022535.1).